The following continues an entry in ClinVar:

NM_020975.6(RET):c.2081G>A (p.Arg694Gln)

Gene: RET. ClinVar aggregate classification (germline): Conflicting classifications of pathogenicity. Uncertain significance (11); Benign (1); Likely benign (4).

Submissions 7 to 20 of 20:

GeneDx
Classification: Uncertain significance. Last evaluated: 2024-04-09. Review status: criteria provided, single submitter. Criteria: GeneDx Variant Classification Process June 2021. Collection method: clinical testing. Allele origin: germline. Affected: yes.
Comment: Identified in individuals with Hirschsprung disease, occurring apparently de novo in one individual (PMID: 14633923, 26395553, 22174939); Also reported in individuals without a personal or family history of a RET-related phenotype (PMID: 15472167, 20516206, 35264596); Published functional studies demonstrate transforming activity, autophosphorylation, and ERK phosphorylation comparable to wildtype, indicating no gain-of-function effect, but functional studies assessing a potential loss-of-function effect have not, to our knowledge, been conducted (PMID: 26395553, 15472167); In silico analysis supports that this missense variant does not alter protein structure/function; This variant is associated with the following publications: (PMID: 22174939, 27704398, 25637381, 20516206, 19522827, 14633923, 24336963, 15834508, 26206375, 36037157, 35264596, 26395553, 15472167)

Blueprint Genetics
Classification: Likely benign. Last evaluated: 2024-03-28. Review status: criteria provided, single submitter. Criteria: ACMG Guidelines, 2015. Collection method: clinical testing. Allele origin: germline.

Myriad Genetics, Inc.
Classification: Likely benign for Multiple endocrine neoplasia type 2A. Last evaluated: 2023-04-18. Review status: criteria provided, single submitter. Criteria: Myriad Autosomal Dominant, Autosomal Recessive and X-Linked Classification Criteria (2023). Collection method: clinical testing. Allele origin: unknown.
Comment: This variant is considered likely benign. This variant has been observed at a population frequency that is significantly greater than expected given the associated disease prevalence and penetrance.

Ambry Genetics
Classification: Likely benign for Hereditary cancer-predisposing syndrome. Last evaluated: 2019-02-27. Review status: criteria provided, single submitter. Criteria: Ambry Variant Classification Scheme 2023. Collection method: clinical testing. Allele origin: germline.

Mendelics
Classification: Uncertain significance for Multiple endocrine neoplasia, type 2a. Last evaluated: 2018-07-02. Review status: criteria provided, single submitter. Criteria: Mendelics Assertion Criteria 2017. Collection method: clinical testing. Allele origin: unknown.

Illumina Laboratory Services, Illumina
Classification: Benign for Pheochromocytoma. Last evaluated: 2018-01-13. Review status: criteria provided, single submitter. Criteria: ICSL Variant Classification Criteria 13 December 2019. Collection method: clinical testing. Allele origin: germline.
Comment: This variant was observed in the ICSL laboratory as part of a predisposition screen in an ostensibly healthy population. It had not been previously curated by ICSL or reported in the Human Gene Mutation Database (HGMD: prior to June 1st, 2018), and was therefore a candidate for classification through an automated scoring system. Utilizing variant allele frequency, disease prevalence and penetrance estimates, and inheritance mode, an automated score was calculated to assess if this variant is too frequent to cause the disease. Based on the score and internal cut-off values, a variant classified as benign is not then subjected to further curation. The score for this variant resulted in a classification of benign for this disease.

Illumina Laboratory Services, Illumina
Classification: Uncertain significance for Hirschsprung disease, susceptibility to, 1. Last evaluated: 2018-01-13. Review status: criteria provided, single submitter. Criteria: ICSL Variant Classification Criteria 13 December 2019. Collection method: clinical testing. Allele origin: germline.

Illumina Laboratory Services, Illumina
Classification: Uncertain significance for Renal hypodysplasia/aplasia 1. Last evaluated: 2018-01-13. Review status: criteria provided, single submitter. Criteria: ICSL Variant Classification Criteria 13 December 2019. Collection method: clinical testing. Allele origin: germline.

Illumina Laboratory Services, Illumina
Classification: Likely benign for Multiple endocrine neoplasia. Last evaluated: 2018-01-13. Review status: criteria provided, single submitter. Criteria: ICSL Variant Classification Criteria 13 December 2019. Collection method: clinical testing. Allele origin: germline.
Comment: This variant was observed in the ICSL laboratory as part of a predisposition screen in an ostensibly healthy population. It had not been previously curated by ICSL or reported in the Human Gene Mutation Database (HGMD: prior to June 1st, 2018), and was therefore a candidate for classification through an automated scoring system. Utilizing variant allele frequency, disease prevalence and penetrance estimates, and inheritance mode, an automated score was calculated to assess if this variant is too frequent to cause the disease. Based on the score and internal cut-off values, a variant classified as likely benign is not then subjected to further curation. The score for this variant resulted in a classification of likely benign for this disease.

Laboratory for Molecular Medicine, Mass General Brigham Personalized Medicine
Classification: Uncertain significance. Last evaluated: 2016-04-25. Review status: criteria provided, single submitter. Criteria: LMM Criteria. Collection method: clinical testing. Allele origin: germline.
Comment: Variant identified in a genome or exome case(s) and assessed due to predicted null impact of the variant or pathogenic assertions in the literature or databases. Disclaimer: This variant has not undergone full assessment. ExAC: 8/16314 South Asian chromosomes

PreventionGenetics, part of Exact Sciences
Classification: Likely benign for RET-related condition. Last evaluated: 2023-11-08. Review status: no assertion criteria provided. Collection method: clinical testing. Allele origin: germline. Not counted in ClinVar's aggregate classification.
Comment: This variant is classified as likely benign based on ACMG/AMP sequence variant interpretation guidelines (Richards et al. 2015 PMID: 25741868, with internal and published modifications).

Counsyl
Classification: Uncertain significance for Multiple endocrine neoplasia type 2B. Last evaluated: 2015-12-29. Review status: no assertion criteria provided. Collection method: clinical testing. Allele origin: unknown. Not counted in ClinVar's aggregate classification.

Counsyl
Classification: Uncertain significance for Multiple endocrine neoplasia type 2A. Last evaluated: 2015-12-29. Review status: no assertion criteria provided. Collection method: clinical testing. Allele origin: unknown. Not counted in ClinVar's aggregate classification.

CSER _CC_NCGL, University of Washington
Classification: Uncertain significance for Hirschsprung disease. Last evaluated: 2014-06-01. Review status: no assertion criteria provided. Collection method: research. Allele origin: germline. Inheritance: Autosomal dominant inheritance. Study: ESP 6500 variant annotation. Not counted in ClinVar's aggregate classification.
Comment: Variants classified for the Actionable exomic incidental findings in 6503 participants: challenges of variant classification manuscript

Literature cited by the submitters: PubMed 14633923 (cited by 4 submitters); PubMed 15472167 (cited by 6 submitters); PubMed 20516206 (cited by Women's Health and Genetics/Laboratory Corporation of America, LabCorp and Ambry Genetics); PubMed 26395553 (cited by 5 submitters); PubMed 22174939 (cited by 3 submitters); PubMed 28566479 (cited by All of Us Research Program, National Institutes of Health); PubMed 15834508 (cited by Ambry Genetics); PubMed 25637381 (cited by Ambry Genetics and Counsyl); PubMed 26206375 (cited by Counsyl); PubMed 24336963 (cited by Counsyl).